The following is an entry in ClinVar:

ClinVar aggregate classification (germline): Conflicting classifications of pathogenicity. Review status: criteria provided, conflicting classifications (1 of 4 stars). 3 submissions from 3 submitters: Uncertain significance (2); Likely benign (1). Last evaluated 2026-01-11.

Conditions:
Hereditary cancer-predisposing syndrome. Also called: Tumor predisposition; Hereditary Cancer Syndrome; Neoplastic Syndromes, Hereditary; Hereditary neoplastic syndrome. Identifiers: Orphanet 140162, MedGen C0027672, MeSH D009386, MONDO:0015356.
Gorlin syndrome. Also called: Basal cell nevus syndrome; Nevoid Basal Cell Carcinoma Syndrome. Identifiers: Orphanet 377, MedGen C0004779, MONDO:0007187.

Allele frequency attached by ClinVar (database versions not stated): gnomAD exomes below 0.00001; ExAC 0.00001.
gnomAD v4.1: 3 of 1,612,262 alleles (0.00019%); highest among the groups gnomAD compares: Non-Finnish European, 0.00025%; no homozygotes.

Submissions (3):

Labcorp Genetics (formerly Invitae), Labcorp
Classification: Likely benign for Gorlin syndrome. Last evaluated: 2026-01-11. Review status: criteria provided, single submitter. Criteria: Invitae Variant Classification Sherloc (09022015). Collection method: clinical testing. Allele origin: germline.

Quest Diagnostics Nichols Institute San Juan Capistrano
Classification: Uncertain significance. Last evaluated: 2025-07-29. Review status: criteria provided, single submitter. Criteria: Quest Diagnostics criteria. Collection method: clinical testing. Allele origin: unknown.
Comment: The PTCH1 c.876G>A (p.Met292Ile) variant has not been reported in individuals with PTCH1-related conditions in the published literature. The frequency of this variant in the general population (Genome Aggregation Database) is uninformative in the assessment of its pathogenicity. Analysis of this variant using bioinformatics tools for the prediction of the effect of amino acid changes on protein structure and function yielded conflicting predictions that this variant is deleterious or benign. Based on the available information, we are unable to determine the clinical significance of this variant.

Ambry Genetics
Classification: Uncertain significance for Hereditary cancer-predisposing syndrome. Last evaluated: 2024-12-12. Review status: criteria provided, single submitter. Criteria: Ambry Variant Classification Scheme 2023. Collection method: clinical testing. Allele origin: germline.
Comment: The p.M292I variant (also known as c.876G>A), located in coding exon 6 of the PTCH1 gene, results from a G to A substitution at nucleotide position 876. The methionine at codon 292 is replaced by isoleucine, an amino acid with highly similar properties. This amino acid position is highly conserved in available vertebrate species. In addition, this alteration is predicted to be deleterious by in silico analysis. Based on the available evidence, the clinical significance of this variant remains unclear.

NM_000264.5(PTCH1):c.876G>A (p.Met292Ile)

Gene: PTCH1 (patched 1; minus strand). Cytogenetic location: 9q22.32.
Variant type: single nucleotide variant.
Coding change: c.876G>A on transcript NM_000264.5 (MANE Select); coding-DNA position 876, G replaced by A.
Protein change: p.Met292Ile; replaces methionine 292 with isoleucine.
Molecular consequence: missense variant. On other transcripts: non-coding transcript variant (1).
Genome position (GRCh38, 1-based): chr9:95,480,459, C>T on the plus strand (G>A on the coding strand, the complement: PTCH1 is on the minus strand). VCF-style: chr9-95480459-C-T. GRCh37 (hg19) VCF-style: chr9-98242741-C-T.
Other names: c.876G>A (NM_000264.4); c.678G>A, p.Met226Ile (NM_001083602.3); c.873G>A, p.Met291Ile (NM_001083603.3); c.423G>A, p.Met141Ile (NM_001083604.3, NM_001083605.3, NM_001083606.3 and 1 more transcripts); c.876G>A, p.Met292Ile (NM_001354918.2); short protein forms M226I, M292I, M291I, M141I.
Identifiers: ClinVar variation 453914 (VCV000453914.15), dbSNP rs776187586, ClinGen allele CA5138830.